The following is an entry in ClinVar:

ClinVar aggregate classification (germline): Pathogenic (0 of 4 stars; one submission).

Conditions:
Oligodontia. Identifiers: MedGen C4082304, HP:0000677.

Submission:

Dental Genetics Laboratory, Seoul National University School of Dentistry
Classification: Pathogenic for oligodontia. Review status: no assertion criteria provided. Collection method: clinical testing. Allele origin: maternal. Inheritance: X-linked recessive inheritance. Affected: yes.
Comment: variation affecting protein function

NM_001399.5(EDA):c.787A>C (p.Lys263Gln)

Gene: EDA (ectodysplasin A; plus strand). Cytogenetic location: Xq13.1.
Variant type: single nucleotide variant.
Coding change: c.787A>C on transcript NM_001399.5 (MANE Select); coding-DNA position 787, A replaced by C.
Protein change: p.Lys263Gln; replaces lysine 263 with glutamine.
Molecular consequence: missense variant.
Genome position (GRCh38, 1-based): chrX:70,030,514, A>C. VCF-style: chrX-70030514-A-C. GRCh37 (hg19) VCF-style: chrX-69250364-A-C.
Other names: c.787A>C, p.Lys263Gln (NM_001005609.2, NM_001005612.3); short protein forms K263Q.
Identifiers: ClinVar variation 3255520 (VCV003255520.2).
Genomic context (GRCh38, chrX:70,030,514, plus strand): 5'-TTCTCATCCTGCCAGCCAGCTGTGGTGCATCTACAGGGCCAAGGGTCAGCAATTCAAGTC[A>C]AGAATGGTAAGAATCAAAATAGGCTCTCTCCCAAAGAGGAGCTTCTCCCCTGCCTCCTCC-3'
Protein context (NP_001390.1, residues 253-273): LQGQGSAIQV[Lys263Gln]NDLSGGVLND